The following is an entry in ClinVar:

ClinVar aggregate classification (germline): Conflicting classifications of pathogenicity. Review status: criteria provided, conflicting classifications (1 of 4 stars). 2 submissions from 2 submitters: Likely pathogenic (1); Uncertain significance (1). Last evaluated 2023-07-19.

Conditions:
Hereditary cancer-predisposing syndrome. Also called: Hereditary neoplastic syndrome; Neoplastic Syndromes, Hereditary; Tumor predisposition; Hereditary Cancer Syndrome. Identifiers: Orphanet 140162, MedGen C0027672, MeSH D009386, MONDO:0015356.
Breast-ovarian cancer, familial, susceptibility to, 4. Identifiers: Orphanet 145, MedGen C3280345, MONDO:0013669, OMIM 614291.

Submissions (2):

Ambry Genetics
Classification: Uncertain significance for Hereditary cancer-predisposing syndrome. Last evaluated: 2023-07-19. Review status: criteria provided, single submitter. Criteria: Ambry Variant Classification Scheme 2023. Collection method: clinical testing. Allele origin: germline.
Comment: The c.83-2A>G intronic variant results from an A to G substitution two nucleotides upstream from coding exon 2 in the RAD51D gene. This nucleotide position is highly conserved in available vertebrate species. Alterations that disrupt the canonical splice site are expected to result in aberrant splicing. In silico splice site analysis predicts that this alteration may result in the creation or strengthening of a novel splice acceptor site; however, direct evidence is insufficient at this time (Ambry internal data). The resulting transcript is predicted to be in-frame and is not expected to trigger nonsense-mediated mRNAdecay. The exact functional effect of the altered amino acid sequence is unknown. Since supporting evidence is limited at this time, the clinical significance of this alteration remains unclear.

Labcorp Genetics (formerly Invitae), Labcorp
Classification: Likely pathogenic for Breast-ovarian cancer, familial, susceptibility to, 4. Last evaluated: 2019-12-11. Review status: criteria provided, single submitter. Criteria: Invitae Variant Classification Sherloc (09022015). Collection method: clinical testing. Allele origin: germline.
Comment: In summary, the currently available evidence indicates that the variant is pathogenic, but additional data are needed to prove that conclusively. Therefore, this variant has been classified as Likely Pathogenic. Donor and acceptor splice site variants typically lead to a loss of protein function (PMID: 16199547), and loss-of-function variants in RAD51D are known to be pathogenic (PMID: 21822267). Algorithms developed to predict the effect of sequence changes on RNA splicing suggest that this variant may disrupt the consensus splice site, but this prediction has not been confirmed by published transcriptional studies. This variant has not been reported in the literature in individuals with RAD51D-related conditions. This variant is not present in population databases (ExAC no frequency). This sequence change affects an acceptor splice site in intron 1 of the RAD51D gene. It is expected to disrupt RNA splicing and likely results in an absent or disrupted protein product.

Literature cited by the submitters: PubMed 16199547 (cited by Labcorp Genetics (formerly Invitae), Labcorp); PubMed 21822267 (cited by Labcorp Genetics (formerly Invitae), Labcorp).

NM_002878.4(RAD51D):c.83-2A>G

Genes: RAD51D (RAD51 paralog D; minus strand), RAD51L3-RFFL (RAD51L3-RFFL readthrough; minus strand). Cytogenetic location: 17q12.
Variant type: single nucleotide variant.
Coding change: c.83-2A>G on transcript NM_002878.4 (MANE Select); the canonical splice acceptor site of the intron before coding-DNA position 83, A replaced by G.
Molecular consequence: splice acceptor variant.
Genome position (GRCh38, 1-based): chr17:35,119,174, T>C on the plus strand (A>G on the coding strand, the complement: RAD51D is on the minus strand). VCF-style: chr17-35119174-T-C. GRCh37 (hg19) VCF-style: chr17-33446193-T-C.
Other names: c.83-2A>G (NM_133629.3, NM_001142571.2).
Identifiers: ClinVar variation 835734 (VCV000835734.10), dbSNP rs2091789428, ClinGen allele CA399092060.
Genomic context (GRCh38, chr17:35,119,174, plus strand): 5'-GTAAGACAAGCCACATTTCTGAGCTACCTCTTCCAGGTCTGCAGAAACCAGGTCCACCAC[T>C]GAAAACAAAACACGTATAGCGGATTGGCAGAGAGGACTGGGGCCTCCCACACTTGGTTTT-3'